The following is an entry in ClinVar:

ClinVar aggregate classification (germline): Conflicting classifications of pathogenicity. Review status: criteria provided, conflicting classifications (1 of 4 stars). 2 submissions from 2 submitters: Uncertain significance (1); Likely benign (1). Last evaluated 2022-04-01.

Conditions:
Hereditary cancer-predisposing syndrome. Also called: Hereditary neoplastic syndrome; Tumor predisposition; Neoplastic Syndromes, Hereditary; Hereditary Cancer Syndrome. Identifiers: Orphanet 140162, MedGen C0027672, MeSH D009386, MONDO:0015356.

gnomAD v4.1: 1 of 1,612,810 alleles (0.000062%); no homozygotes.

Submissions (2):

CeGaT Center for Human Genetics Tuebingen
Classification: Likely benign. Last evaluated: 2022-04-01. Review status: criteria provided, single submitter. Criteria: CeGaT Center For Human Genetics Tuebingen Variant Classification Criteria Version 2. Collection method: clinical testing. Allele origin: germline. Affected: yes. Observed: 1 variant allele.
Comment: CDH1: PM2:Supporting, BP4, BP7

Ambry Genetics
Classification: Uncertain significance for Hereditary cancer-predisposing syndrome. Last evaluated: 2021-06-29. Review status: criteria provided, single submitter. Criteria: Ambry Variant Classification Scheme 2023. Collection method: clinical testing. Allele origin: germline.
Comment: The c.387G>A variant (also known as p.Q129Q), located in coding exon 3 of the CDH1 gene, results from a G to A substitution at nucleotide position 387. This nucleotide substitution does not change the at codon 129. However, this change occurs in the last base pair of coding exon 3, which makes it likely to have some effect on normal mRNA splicing; however direct evidence is insufficient at this time (Ambry internal data). This nucleotide position is poorly conserved in available vertebrate species. In silico splice site analysis predicts that this alteration will not have any significant effect on splicing. Since supporting evidence is limited at this time, the clinical significance of this alteration remains unclear.

NM_004360.5(CDH1):c.387G>A (p.Gln129=)

Gene: CDH1 (cadherin 1; plus strand). Cytogenetic location: 16q22.1.
Variant type: single nucleotide variant.
Coding change: c.387G>A on transcript NM_004360.5 (MANE Select); coding-DNA position 387, G replaced by A.
Protein change: p.Gln129=; no amino-acid change (glutamine 129 retained).
Molecular consequence: synonymous variant. On other transcripts: 5 prime UTR variant (2).
Genome position (GRCh38, 1-based): chr16:68,801,893, G>A. VCF-style: chr16-68801893-G-A. GRCh37 (hg19) VCF-style: chr16-68835796-G-A.
Other names: c.387G>A, p.Gln129= (NM_001317184.2); c.-1229G>A (NM_001317185.2); c.-1433G>A (NM_001317186.2).
Identifiers: ClinVar variation 1735790 (VCV001735790.26), dbSNP rs764700595, ClinGen allele CA496152721.